The following is an entry in ClinVar:

NM_001379081.2(FREM1):c.4583A>G (p.Asp1528Gly)

Gene: FREM1 (FRAS1 related extracellular matrix 1; minus strand). Cytogenetic location: 9p22.3.
Variant type: single nucleotide variant.
Coding change: c.4583A>G on transcript NM_001379081.2 (MANE Select); coding-DNA position 4583, A replaced by G.
Protein change: p.Asp1528Gly; replaces aspartic acid 1528 with glycine.
Molecular consequence: missense variant. On other transcripts: non-coding transcript variant (2).
Genome position (GRCh38, 1-based): chr9:14,776,063, T>C on the plus strand (A>G on the coding strand, the complement: FREM1 is on the minus strand). VCF-style: chr9-14776063-T-C. GRCh37 (hg19) VCF-style: chr9-14776061-T-C.
Other names: c.4583A>G (NM_144966.5); c.191A>G, p.Asp64Gly (NM_001177704.3, NM_001370058.2, NM_001370061.2); c.4583A>G, p.Asp1528Gly (NM_144966.7); short protein forms D1528G, D64G.
Identifiers: ClinVar variation 2253533 (VCV002253533.8), dbSNP rs1029407111, ClinGen allele CA189360579.

ClinVar aggregate classification (germline): Uncertain significance. Review status: criteria provided, multiple submitters, no conflicts (2 of 4 stars). 2 submissions from 2 submitters: Uncertain significance (2). Last evaluated 2022-01-04.

Conditions:
Inborn genetic diseases. Identifiers: MedGen C0950123, MeSH D030342.

Allele frequency attached by ClinVar (database versions not stated): gnomAD exomes 0.00001; gnomAD 0.00002; TOPMed 0.00002.

Submissions (2):

Labcorp Genetics (formerly Invitae), Labcorp
Classification: Uncertain significance. Last evaluated: 2022-01-04. Review status: criteria provided, single submitter. Criteria: Invitae Variant Classification Sherloc (09022015). Collection method: clinical testing. Allele origin: germline.
Comment: In summary, the available evidence is currently insufficient to determine the role of this variant in disease. Therefore, it has been classified as a Variant of Uncertain Significance. Algorithms developed to predict the effect of missense changes on protein structure and function (SIFT, PolyPhen-2, Align-GVGD) all suggest that this variant is likely to be tolerated. This variant has not been reported in the literature in individuals affected with FREM1-related conditions. This variant is not present in population databases (gnomAD no frequency). This sequence change replaces aspartic acid, which is acidic and polar, with glycine, which is neutral and non-polar, at codon 1528 of the FREM1 protein (p.Asp1528Gly).

Ambry Genetics
Classification: Uncertain significance for Inborn genetic diseases. Last evaluated: 2021-10-06. Review status: criteria provided, single submitter. Criteria: Ambry Variant Classification Scheme 2023. Collection method: clinical testing. Allele origin: germline.